The following is an entry in ClinVar:

NM_173354.5(SIK1):c.818G>A (p.Arg273Gln)

Gene: SIK1 (salt inducible kinase 1; minus strand). Cytogenetic location: 21q22.3.
Variant type: single nucleotide variant.
Coding change: c.818G>A on transcript NM_173354.5 (MANE Select); coding-DNA position 818, G replaced by A.
Protein change: p.Arg273Gln; replaces arginine 273 with glutamine.
Molecular consequence: missense variant.
Genome position (GRCh38, 1-based): chr21:43,420,388, C>T on the plus strand (G>A on the coding strand, the complement: SIK1 is on the minus strand). VCF-style: chr21-43420388-C-T. GRCh37 (hg19) VCF-style: chr21-44840268-C-T.
Other names: short protein forms R273Q.
Identifiers: ClinVar variation 1443338 (VCV001443338.16), dbSNP rs377644840, ClinGen allele CA321326907.
Genomic context (GRCh38, chr21:43,420,388, plus strand): 5'-GAGAAGGCGGGGCAGGCGGGTCCCGGCAAGCAGGGCTCAGCCCGCATCCACCGGTGCTGC[C>T]GGATCTGGGCGATGGTGATGCGCCTGGCGGGGTCCACCACCAGCATGCGGCGGATCAGGC-3'
Protein context (NP_775490.2, residues 263-283): PARRITIAQI[Arg273Gln]QHRWMRAEPC

ClinVar aggregate classification (germline): Uncertain significance. Review status: criteria provided, multiple submitters, no conflicts (2 of 4 stars). 2 submissions from 2 submitters: Uncertain significance (2). Last evaluated 2025-08-01.

Conditions:
Developmental and epileptic encephalopathy, 30 (DEE30). Also called: Epileptic encephalopathy, early infantile, 30. Identifiers: MedGen C4225360, MONDO:0014595, OMIM 616341.

Allele frequency attached by ClinVar (database versions not stated): ExAC 0.00001; gnomAD exomes 0.00001; ESP Exome Variant Server 0.00008.

Submissions (2):

CeGaT Center for Human Genetics Tuebingen
Classification: Uncertain significance. Last evaluated: 2025-08-01. Review status: criteria provided, single submitter. Criteria: CeGaT Center For Human Genetics Tuebingen Variant Classification Criteria Version 2. Collection method: clinical testing. Allele origin: germline. Affected: yes. Observed: 1 variant allele.
Comment: SIK1: PM2, BP4

Labcorp Genetics (formerly Invitae), Labcorp
Classification: Uncertain significance for Developmental and epileptic encephalopathy, 30. Last evaluated: 2025-03-29. Review status: criteria provided, single submitter. Criteria: Invitae Variant Classification Sherloc (09022015). Collection method: clinical testing. Allele origin: germline.
Comment: This sequence change replaces arginine, which is basic and polar, with glutamine, which is neutral and polar, at codon 273 of the SIK1 protein (p.Arg273Gln). This variant is present in population databases (rs377644840, gnomAD 0.01%). This variant has not been reported in the literature in individuals affected with SIK1-related conditions. ClinVar contains an entry for this variant (Variation ID: 1443338). An algorithm developed to predict the effect of missense changes on protein structure and function (PolyPhen-2) suggests that this variant is likely to be disruptive. In summary, the available evidence is currently insufficient to determine the role of this variant in disease. Therefore, it has been classified as a Variant of Uncertain Significance.